The following is an entry in ClinVar:

ClinVar aggregate classification (germline): Uncertain significance (1 of 4 stars; one submission).

Conditions:
Hyperphosphatasia with impaired intellectual development syndrome 2. Also called: Hyperphosphatasia with intellectual disability syndrome 2; GLYCOSYLPHOSPHATIDYLINOSITOL BIOSYNTHESIS DEFECT 6. Identifiers: Orphanet 247262, MedGen C3553637, MONDO:0013882, OMIM 614749.

Allele frequency attached by ClinVar (database versions not stated): gnomAD exomes below 0.00001; TOPMed below 0.00001; ExAC 0.00001; gnomAD 0.00001.
gnomAD v4.1: 6 of 1,610,078 alleles (0.00037%); highest among the groups gnomAD compares: African/African-American, 0.0013%; no homozygotes.

Submission:

Labcorp Genetics (formerly Invitae), Labcorp
Classification: Uncertain significance for Hyperphosphatasia with impaired intellectual development syndrome 2. Last evaluated: 2024-04-24. Review status: criteria provided, single submitter. Criteria: Invitae Variant Classification Sherloc (09022015). Collection method: clinical testing. Allele origin: germline.
Comment: This sequence change replaces arginine, which is basic and polar, with cysteine, which is neutral and slightly polar, at codon 265 of the PIGO protein (p.Arg265Cys). This variant is present in population databases (rs765131021, gnomAD 0.0009%). This variant has not been reported in the literature in individuals affected with PIGO-related conditions. ClinVar contains an entry for this variant (Variation ID: 1063754). Advanced modeling of protein sequence and biophysical properties (such as structural, functional, and spatial information, amino acid conservation, physicochemical variation, residue mobility, and thermodynamic stability) performed at Invitae indicates that this missense variant is not expected to disrupt PIGO protein function with a negative predictive value of 80%. In summary, the available evidence is currently insufficient to determine the role of this variant in disease. Therefore, it has been classified as a Variant of Uncertain Significance.

NM_032634.4(PIGO):c.793C>T (p.Arg265Cys)

Gene: PIGO (phosphatidylinositol glycan anchor biosynthesis class O; minus strand). Cytogenetic location: 9p13.3.
Variant type: single nucleotide variant.
Coding change: c.793C>T on transcript NM_032634.4 (MANE Select); coding-DNA position 793, C replaced by T.
Protein change: p.Arg265Cys; replaces arginine 265 with cysteine.
Molecular consequence: missense variant.
Genome position (GRCh38, 1-based): chr9:35,093,567, G>A on the plus strand (C>T on the coding strand, the complement: PIGO is on the minus strand). VCF-style: chr9-35093567-G-A. GRCh37 (hg19) VCF-style: chr9-35093564-G-A.
Other names: c.793C>T, p.Arg265Cys (NM_001201484.2, NM_152850.4); short protein forms R265C.
Identifiers: ClinVar variation 1063754 (VCV001063754.8), dbSNP rs765131021, ClinGen allele CA5040822.
Genomic context (GRCh38, chr9:35,093,567, plus strand): 5'-CTCCATTTGTGGTCATCCCATGGTCCCCAGCCACTACCAGCAGTGTGTCATTCTCCAGAC[G>A]CTCCACAAGTCCCCTGGGGGCCAATAAATGTGTCAGGAGTAGAAACGGATAAATATTTTT-3'
Protein context (NP_116023.2, residues 255-275): MDQVIQGLVE[Arg265Cys]LENDTLLVVA